The following is an entry in ClinVar:

ClinVar aggregate classification (germline): Uncertain significance. Review status: criteria provided, multiple submitters, no conflicts (2 of 4 stars). 3 submissions from 3 submitters: Uncertain significance (3). Last evaluated 2024-11-24.

Conditions:
Duchenne muscular dystrophy (DMD). Also called: MUSCULAR DYSTROPHY, PSEUDOHYPERTROPHIC PROGRESSIVE, DUCHENNE TYPE; Duchenne Muscular Dystrophy (DMD). Identifiers: Orphanet 98896, MedGen C0013264, MONDO:0010679, OMIM 310200.
Becker muscular dystrophy (BMD). Also called: MUSCULAR DYSTROPHY, PSEUDOHYPERTROPHIC PROGRESSIVE, BECKER TYPE; Becker Muscular Dystrophy (BMD). Identifiers: Orphanet 98895, MedGen C0917713, MONDO:0010311, OMIM 300376.
Dilated cardiomyopathy 3B (CMD3B). Also called: CMD3B: DMD-Related Dilated Cardiomyopathy; CARDIOMYOPATHY, DILATED, X-LINKED; DMD-Associated Dilated Cardiomyopathy. Identifiers: Orphanet 154, MedGen C3668940, MONDO:0010542, OMIM 302045.

Allele frequency attached by ClinVar (database versions not stated): gnomAD exomes 0.00001.
gnomAD v4.1: 7 of 1,210,765 alleles (0.00058%); highest among the groups gnomAD compares: Non-Finnish European, 0.00078%; no homozygotes.

Submissions (3):

Labcorp Genetics (formerly Invitae), Labcorp
Classification: Uncertain significance for Duchenne muscular dystrophy. Last evaluated: 2024-11-24. Review status: criteria provided, single submitter. Criteria: Invitae Variant Classification Sherloc (09022015). Collection method: clinical testing. Allele origin: germline.
Comment: This sequence change replaces valine, which is neutral and non-polar, with isoleucine, which is neutral and non-polar, at codon 1663 of the DMD protein (p.Val1663Ile). This variant is not present in population databases (gnomAD no frequency). This variant has not been reported in the literature in individuals affected with DMD-related conditions. ClinVar contains an entry for this variant (Variation ID: 1384267). Invitae Evidence Modeling of protein sequence and biophysical properties (such as structural, functional, and spatial information, amino acid conservation, physicochemical variation, residue mobility, and thermodynamic stability) indicates that this missense variant is not expected to disrupt DMD protein function with a negative predictive value of 95%. In summary, the available evidence is currently insufficient to determine the role of this variant in disease. Therefore, it has been classified as a Variant of Uncertain Significance.

Clinical Genetics Laboratory, Skane University Hospital Lund
Classification: Uncertain significance. Last evaluated: 2023-05-09. Review status: criteria provided, single submitter. Criteria: ACMG Guidelines, 2015. Collection method: clinical testing. Allele origin: germline. Affected: yes.

Fulgent Genetics
Classification: Uncertain significance for Becker muscular dystrophy; Dilated cardiomyopathy 3B; Duchenne muscular dystrophy. Last evaluated: 2021-07-13. Review status: criteria provided, single submitter. Criteria: ACMG Guidelines, 2015. Collection method: clinical testing. Allele origin: unknown.

NM_004006.3(DMD):c.4987G>A (p.Val1663Ile)

Gene: DMD (dystrophin; minus strand). Cytogenetic location: Xp21.1.
Variant type: single nucleotide variant.
Coding change: c.4987G>A on transcript NM_004006.3 (MANE Select); coding-DNA position 4987, G replaced by A.
Protein change: p.Val1663Ile; replaces valine 1663 with isoleucine.
Molecular consequence: missense variant.
Genome position (GRCh38, 1-based): chrX:32,365,058, C>T on the plus strand (G>A on the coding strand, the complement: DMD is on the minus strand). VCF-style: chrX-32365058-C-T. GRCh37 (hg19) VCF-style: chrX-32383175-C-T.
Other names: c.4963G>A, p.Val1655Ile (NM_000109.4); c.4975G>A, p.Val1659Ile (NM_004009.3); c.4618G>A, p.Val1540Ile (NM_004010.3); c.964G>A, p.Val322Ile (NM_004011.4); c.955G>A, p.Val319Ile (NM_004012.4); short protein forms V1659I, V1663I, V1540I, V1655I, V322I, V319I.
Identifiers: ClinVar variation 1384267 (VCV001384267.9), dbSNP rs2147259228, ClinGen allele CA412671872.